The following is an entry in ClinVar:

ClinVar aggregate classification (germline): Uncertain significance. Review status: criteria provided, multiple submitters, no conflicts (2 of 4 stars). 2 submissions from 2 submitters: Uncertain significance (2). Last evaluated 2025-08-31.

Allele frequency attached by ClinVar (database versions not stated): gnomAD exomes 0.00002 and 0.00003; ExAC 0.00003; TOPMed 0.00006; ESP Exome Variant Server 0.00008; gnomAD 0.00009; 1000 Genomes Project 0.00020; 1000 Genomes Project 30x 0.00031.
gnomAD v4.1: 59 of 1,612,332 alleles (0.0037%); highest among the groups gnomAD compares: African/African-American, 0.019%; no homozygotes.

Submissions (2):

Ambry Genetics
Classification: Uncertain significance. Last evaluated: 2025-08-31. Review status: criteria provided, single submitter. Criteria: Ambry Variant Classification Scheme 2023. Collection method: clinical testing. Allele origin: germline.

Labcorp Genetics (formerly Invitae), Labcorp
Classification: Uncertain significance. Last evaluated: 2021-02-22. Review status: criteria provided, single submitter. Criteria: Invitae Variant Classification Sherloc (09022015). Collection method: clinical testing. Allele origin: germline.
Comment: In summary, the available evidence is currently insufficient to determine the role of this variant in disease. Therefore, it has been classified as a Variant of Uncertain Significance. Algorithms developed to predict the effect of missense changes on protein structure and function are either unavailable or do not agree on the potential impact of this missense change (SIFT: "Tolerated"; PolyPhen-2: "Possibly Damaging"; Align-GVGD: "Class C0"). This variant has not been reported in the literature in individuals with ARHGEF10-related conditions. This variant is present in population databases (rs368273196, ExAC 0.01%). This sequence change replaces arginine with glutamine at codon 1323 of the ARHGEF10 protein (p.Arg1323Gln). The arginine residue is weakly conserved and there is a small physicochemical difference between arginine and glutamine.

NM_014629.4(ARHGEF10):c.3968G>A (p.Arg1323Gln)

Gene: ARHGEF10 (Rho guanine nucleotide exchange factor 10; plus strand). Cytogenetic location: 8p23.3.
Variant type: single nucleotide variant.
Coding change: c.3968G>A on transcript NM_014629.4 (MANE Select); coding-DNA position 3968, G replaced by A.
Protein change: p.Arg1323Gln; replaces arginine 1323 with glutamine.
Molecular consequence: missense variant.
Genome position (GRCh38, 1-based): chr8:1,957,196, G>A. VCF-style: chr8-1957196-G-A. GRCh37 (hg19) VCF-style: chr8-1905362-G-A.
Other names: c.3854G>A, p.Arg1285Gln (NM_001308152.2); c.3968G>A, p.Arg1323Gln (NM_001308153.3); short protein forms R1347Q, R1285Q, R1323Q.
Identifiers: ClinVar variation 1471597 (VCV001471597.9), dbSNP rs368273196, ClinGen allele CA4601546.
Genomic context (GRCh38, chr8:1,957,196, plus strand): 5'-CCAGCTCGGCGCTGGTGGTCTGTGGAGGGCAGGGCCACCGCCGGGTGCACAGGAAGGCCC[G>A]GCAGCCCCACCAGGAAGAGCTGGCGCCGACCGTCATGGTCTGGCAGATCCCTCTGCTGAA-3'
Protein context (NP_055444.2, residues 1313-1333): QGHRRVHRKA[Arg1323Gln]QPHQEELAPT